The following is an entry in ClinVar:

ClinVar aggregate classification (germline): Uncertain significance (1 of 4 stars; one submission).

Conditions:
Familial infantile myasthenia (CMS6). Also called: Congenital myasthenic syndrome type 6; MYASTHENIC SYNDROME, PRESYNAPTIC, CONGENITAL, ASSOCIATED WITH EPISODIC APNEA; MYASTHENIC SYNDROME, CONGENITAL, 6, PRESYNAPTIC. Identifiers: Orphanet 590, MedGen C0393929, MONDO:0009689, OMIM 254210.

Submission:

Labcorp Genetics (formerly Invitae), Labcorp
Classification: Uncertain significance for Familial infantile myasthenia. Last evaluated: 2022-08-22. Review status: criteria provided, single submitter. Criteria: Invitae Variant Classification Sherloc (09022015). Collection method: clinical testing. Allele origin: germline.
Comment: This variant is not present in population databases (gnomAD no frequency). This sequence change replaces arginine, which is basic and polar, with glycine, which is neutral and non-polar, at codon 470 of the CHAT protein (p.Arg470Gly). This variant has not been reported in the literature in individuals affected with CHAT-related conditions. In summary, the available evidence is currently insufficient to determine the role of this variant in disease. Therefore, it has been classified as a Variant of Uncertain Significance. Advanced modeling of protein sequence and biophysical properties (such as structural, functional, and spatial information, amino acid conservation, physicochemical variation, residue mobility, and thermodynamic stability) performed at Invitae indicates that this missense variant is not expected to disrupt CHAT protein function.

NM_020549.5(CHAT):c.1408C>G (p.Arg470Gly)

Gene: CHAT (choline O-acetyltransferase; plus strand). Cytogenetic location: 10q11.23.
Variant type: single nucleotide variant.
Coding change: c.1408C>G on transcript NM_020549.5 (MANE Select); coding-DNA position 1408, C replaced by G.
Protein change: p.Arg470Gly; replaces arginine 470 with glycine.
Molecular consequence: missense variant.
Genome position (GRCh38, 1-based): chr10:49,649,533, C>G. VCF-style: chr10-49649533-C-G. GRCh37 (hg19) VCF-style: chr10-50857579-C-G.
Other names: c.1054C>G, p.Arg352Gly (NM_001142929.2, NM_001142934.2, NM_020984.4 and 2 more transcripts); c.1162C>G, p.Arg388Gly (NM_001142933.2); short protein forms R352G, R470G, R388G.
Identifiers: ClinVar variation 2015528 (VCV002015528.4), dbSNP rs142889639, ClinGen allele CA376743291.